The following is an entry in ClinVar:

ClinVar aggregate classification (germline): Uncertain significance (1 of 4 stars; one submission).

Submission:

Labcorp Genetics (formerly Invitae), Labcorp
Classification: Uncertain significance. Last evaluated: 2022-03-13. Review status: criteria provided, single submitter. Criteria: Invitae Variant Classification Sherloc (09022015). Collection method: clinical testing. Allele origin: germline.
Comment: Advanced modeling of protein sequence and biophysical properties (such as structural, functional, and spatial information, amino acid conservation, physicochemical variation, residue mobility, and thermodynamic stability) performed at Invitae indicates that this missense variant is not expected to disrupt NSD1 protein function. This variant has not been reported in the literature in individuals affected with NSD1-related conditions. In summary, the available evidence is currently insufficient to determine the role of this variant in disease. Therefore, it has been classified as a Variant of Uncertain Significance. This sequence change replaces asparagine, which is neutral and polar, with lysine, which is basic and polar, at codon 1175 of the NSD1 protein (p.Asn1175Lys). This variant is not present in population databases (gnomAD no frequency).

NM_022455.5(NSD1):c.3525C>G (p.Asn1175Lys)

Gene: NSD1 (nuclear receptor binding SET domain protein 1; plus strand). Cytogenetic location: 5q35.3.
Variant type: single nucleotide variant.
Coding change: c.3525C>G on transcript NM_022455.5 (MANE Select); coding-DNA position 3525, C replaced by G.
Protein change: p.Asn1175Lys; replaces asparagine 1175 with lysine.
Molecular consequence: missense variant.
Genome position (GRCh38, 1-based): chr5:177,211,924, C>G. VCF-style: chr5-177211924-C-G. GRCh37 (hg19) VCF-style: chr5-176638925-C-G.
Other names: c.2652C>G, p.Asn884Lys (NM_001365684.2, NM_172349.5, NM_001409306.1 and 3 more transcripts); c.3525C>G, p.Asn1175Lys (NM_001409301.1, NM_001409302.1, NM_001409303.1); c.3105C>G, p.Asn1035Lys (NM_001409304.1); c.2772C>G, p.Asn924Lys (NM_001409305.1); short protein forms N1175K, N906K, N1035K, N924K, N884K.
Identifiers: ClinVar variation 2111004 (VCV002111004.4), dbSNP rs2149848726, ClinGen allele CA362325390.